The following is an entry in ClinVar:

NM_004525.3(LRP2):c.4755C>T (p.Asp1585=)

Gene: LRP2 (LDL receptor related protein 2; minus strand). Cytogenetic location: 2q31.1.
Variant type: single nucleotide variant.
Coding change: c.4755C>T on transcript NM_004525.3 (MANE Select); coding-DNA position 4755, C replaced by T.
Protein change: p.Asp1585=; no amino-acid change (aspartic acid 1585 retained).
Molecular consequence: synonymous variant.
Genome position (GRCh38, 1-based): chr2:169,236,005, G>A on the plus strand (C>T on the coding strand, the complement: LRP2 is on the minus strand). VCF-style: chr2-169236005-G-A. GRCh37 (hg19) VCF-style: chr2-170092515-G-A.
Identifiers: ClinVar variation 1642913 (VCV001642913.41), dbSNP rs141871628, ClinGen allele CA1954712.
Genomic context (GRCh38, chr2:169,236,005, plus strand): 5'-AATAGTTAAGCCGCAGGGCCAGAAGATCTTGTCCTGGACAATGACAGTGCGCATGCTGCC[G>A]TCCATGCTGGCTCGCTCGATGCGAGGGTGGTGGCCCCAGTCAGACCAGAACAGTAGATGC-3'
Protein context (NP_004516.2, residues 1575-1595): HHPRIERASM[Asp1585=]GSMRTVIVQD

ClinVar aggregate classification (germline): Likely benign. Review status: criteria provided, multiple submitters, no conflicts (2 of 4 stars). 4 submissions from 4 submitters: Likely benign (4). Last evaluated 2025-12-25.

Conditions:
Donnai-Barrow syndrome. Also called: DBS/FOAR SYNDROME; FACIOOCULOACOUSTICORENAL SYNDROME. Identifiers: Orphanet 2143, MedGen C1857277, MONDO:0009104, OMIM 222448.

Allele frequency attached by ClinVar (database versions not stated): TOPMed 0.00005; gnomAD 0.00009.
gnomAD v4.1: 145 of 1,614,054 alleles (0.009%); highest among the groups gnomAD compares: South Asian, 0.044%; no homozygotes.

Submissions (4):

Labcorp Genetics (formerly Invitae), Labcorp
Classification: Likely benign. Last evaluated: 2025-12-25. Review status: criteria provided, single submitter. Criteria: Invitae Variant Classification Sherloc (09022015). Collection method: clinical testing. Allele origin: germline.

Blueprint Genetics
Classification: Likely benign. Last evaluated: 2024-11-18. Review status: criteria provided, single submitter. Criteria: ACMG Guidelines, 2015. Collection method: clinical testing. Allele origin: germline.

CeGaT Center for Human Genetics Tuebingen
Classification: Likely benign. Last evaluated: 2022-05-01. Review status: criteria provided, single submitter. Criteria: CeGaT Center For Human Genetics Tuebingen Variant Classification Criteria Version 2. Collection method: clinical testing. Allele origin: germline. Affected: yes. Observed: 1 variant allele.
Comment: LRP2: BP4, BP7

Fulgent Genetics
Classification: Likely benign for Donnai-Barrow syndrome. Last evaluated: 2021-12-12. Review status: criteria provided, single submitter. Criteria: ACMG Guidelines, 2015. Collection method: clinical testing. Allele origin: unknown.